The following is an entry in ClinVar:

NM_017649.5(CNNM2):c.296C>G (p.Thr99Ser)

Gene: CNNM2 (cyclin and CBS domain divalent metal cation transport mediator 2; plus strand). Cytogenetic location: 10q24.32.
Variant type: single nucleotide variant.
Coding change: c.296C>G on transcript NM_017649.5 (MANE Select); coding-DNA position 296, C replaced by G.
Protein change: p.Thr99Ser; replaces threonine 99 with serine.
Molecular consequence: missense variant.
Genome position (GRCh38, 1-based): chr10:102,918,776, C>G. VCF-style: chr10-102918776-C-G. GRCh37 (hg19) VCF-style: chr10-104678533-C-G.
Other names: c.296C>G, p.Thr99Ser (NM_199076.3, NM_199077.3); short protein forms T99S.
Identifiers: ClinVar variation 878022 (VCV000878022.7), dbSNP rs1845519788, ClinGen allele CA377954636.

ClinVar aggregate classification (germline): Uncertain significance. Review status: criteria provided, multiple submitters, no conflicts (2 of 4 stars). 2 submissions from 2 submitters: Uncertain significance (2). Last evaluated 2019-09-09.

Conditions:
Renal hypomagnesemia 6. Identifiers: Orphanet 34527, MedGen C3151295, MONDO:0013480, OMIM 613882.

Submissions (2):

Centre for Mendelian Genomics, University Medical Centre Ljubljana
Classification: Uncertain significance for Renal hypomagnesemia 6. Last evaluated: 2019-09-09. Review status: criteria provided, single submitter. Criteria: ACMG Guidelines, 2015. Collection method: clinical testing. Allele origin: unknown. Affected: yes.
Comment: This variant was classified as: Uncertain significance. The available evidence on this variant's pathogenicity is insufficient or conflicting. The following ACMG criteria were applied in classifying this variant: PM2.

Illumina Laboratory Services, Illumina
Classification: Uncertain significance for Renal hypomagnesemia 6. Last evaluated: 2018-01-13. Review status: criteria provided, single submitter. Criteria: ICSL Variant Classification Criteria 13 December 2019. Collection method: clinical testing. Allele origin: germline.